The following is an entry in ClinVar:

NM_003995.4(NPR2):c.2840G>C (p.Arg947Pro)

Genes: SPAG8 (sperm associated antigen 8; minus strand), NPR2 (natriuretic peptide receptor 2; plus strand). Cytogenetic location: 9p13.3.
Variant type: single nucleotide variant.
Coding change: c.2840G>C on transcript NM_003995.4 (MANE Select); coding-DNA position 2840, G replaced by C.
Protein change: p.Arg947Pro; replaces arginine 947 with proline.
Molecular consequence: missense variant. On other transcripts: intron variant (2).
Genome position (GRCh38, 1-based): chr9:35,808,636, G>C. VCF-style: chr9-35808636-G-C. GRCh37 (hg19) VCF-style: chr9-35808633-G-C.
Other names: c.1373-330C>G (NM_172312.2); c.2849G>C, p.Arg950Pro (NM_001378923.1); c.1201-330C>G (NM_001366760.2); short protein forms R947P, R950P.
Identifiers: ClinVar variation 858821 (VCV000858821.11), dbSNP rs145008570, ClinGen allele CA5052139.

ClinVar aggregate classification (germline): Uncertain significance (1 of 4 stars; one submission).

Conditions:
Acromesomelic dysplasia 1, Maroteaux type (AMD1). Also called: ST. HELENA DYSPLASIA; ACROMESOMELIC DYSPLASIA 1. Identifiers: Orphanet 40, MedGen C1864356, MONDO:0011275, OMIM 602875.
Tall stature-scoliosis-macrodactyly of the great toes syndrome. Also called: Epiphyseal chondrodysplasia, miura type. Identifiers: Orphanet 329191, MedGen C4014690, MONDO:0014401, OMIM 615923.

gnomAD v4.1: 1 of 1,613,886 alleles (0.000062%); highest among the groups gnomAD compares: East Asian, 0.0022%; no homozygotes.

Submission:

Labcorp Genetics (formerly Invitae), Labcorp
Classification: Uncertain significance for Tall stature-scoliosis-macrodactyly of the great toes syndrome; Acromesomelic dysplasia 1, Maroteaux type. Last evaluated: 2019-08-28. Review status: criteria provided, single submitter. Criteria: Invitae Variant Classification Sherloc (09022015). Collection method: clinical testing. Allele origin: germline.
Comment: This variant has not been reported in the literature in individuals with NPR2-related conditions. In summary, the available evidence is currently insufficient to determine the role of this variant in disease. Therefore, it has been classified as a Variant of Uncertain Significance. Algorithms developed to predict the effect of missense changes on protein structure and function (SIFT, PolyPhen-2, Align-GVGD) all suggest that this variant is likely to be disruptive, but these predictions have not been confirmed by published functional studies and their clinical significance is uncertain. This variant is present in population databases (rs145008570, ExAC 0.02%). This sequence change replaces arginine with proline at codon 947 of the NPR2 protein (p.Arg947Pro). The arginine residue is highly conserved and there is a moderate physicochemical difference between arginine and proline.